The following is an entry in ClinVar:

ClinVar aggregate classification (germline): Uncertain significance (1 of 4 stars; one submission).

Conditions:
Hereditary breast ovarian cancer syndrome. Also called: Hereditary breast and ovarian cancer syndrome; Hereditary breast and ovarian cancer; BRCA1- and BRCA2-Associated Hereditary Breast and Ovarian Cancer; Hereditary breast and/or ovarian cancer syndrome; Breast and ovarian cancer; Hereditary breast and ovarian cancer syndrome (HBOC). Identifiers: Orphanet 145, MedGen C0677776, MeSH D061325, MONDO:0003582. Disease mechanism: loss of function.

gnomAD v4.1: 1 of 1,545,322 alleles (0.000065%); highest among the groups gnomAD compares: Middle Eastern, 0.017%; no homozygotes.

Submission:

Labcorp Genetics (formerly Invitae), Labcorp
Classification: Uncertain significance for Hereditary breast ovarian cancer syndrome. Last evaluated: 2024-11-13. Review status: criteria provided, single submitter. Criteria: Invitae Variant Classification Sherloc (09022015). Collection method: clinical testing. Allele origin: germline.
Comment: This sequence change replaces isoleucine, which is neutral and non-polar, with leucine, which is neutral and non-polar, at codon 2285 of the BRCA2 protein (p.Ile2285Leu). This variant is not present in population databases (gnomAD no frequency). This variant has not been reported in the literature in individuals affected with BRCA2-related conditions. ClinVar contains an entry for this variant (Variation ID: 2873658). Invitae Evidence Modeling of protein sequence and biophysical properties (such as structural, functional, and spatial information, amino acid conservation, physicochemical variation, residue mobility, and thermodynamic stability) indicates that this missense variant is not expected to disrupt BRCA2 protein function with a negative predictive value of 95%. In summary, the available evidence is currently insufficient to determine the role of this variant in disease. Therefore, it has been classified as a Variant of Uncertain Significance.

NM_000059.4(BRCA2):c.6853A>C (p.Ile2285Leu)

Gene: BRCA2 (BRCA2 DNA repair associated; plus strand). Cytogenetic location: 13q13.1.
Variant type: single nucleotide variant.
Coding change: c.6853A>C on transcript NM_000059.4 (MANE Select); coding-DNA position 6853, A replaced by C.
Protein change: p.Ile2285Leu; replaces isoleucine 2285 with leucine.
Molecular consequence: missense variant. On other transcripts: non-coding transcript variant (1), intron variant (1).
Genome position (GRCh38, 1-based): chr13:32,344,569, A>C. VCF-style: chr13-32344569-A-C. GRCh37 (hg19) VCF-style: chr13-32918706-A-C.
Other names: c.6853A>C, p.Ile2285Leu (NM_001406720.1); c.1921A>C, p.Ile641Leu (NM_001406721.1); c.436A>C, p.Ile146Leu (NM_001406722.1); c.6842-2258A>C (NM_001406719.1); short protein forms I641L, I146L, I2285L.
Identifiers: ClinVar variation 2873658 (VCV002873658.3), dbSNP rs56272235, ClinGen allele CA387792641.